The following is an entry in ClinVar:

NM_138477.4(CDAN1):c.3329C>G (p.Ala1110Gly)

Gene: CDAN1 (codanin 1; minus strand). Cytogenetic location: 15q15.2.
Variant type: single nucleotide variant.
Coding change: c.3329C>G on transcript NM_138477.4 (MANE Select); coding-DNA position 3329, C replaced by G.
Protein change: p.Ala1110Gly; replaces alanine 1110 with glycine.
Molecular consequence: missense variant.
Genome position (GRCh38, 1-based): chr15:42,725,610, G>C on the plus strand (C>G on the coding strand, the complement: CDAN1 is on the minus strand). VCF-style: chr15-42725610-G-C. GRCh37 (hg19) VCF-style: chr15-43017808-G-C.
Other names: c.3329C>G (NM_138477.2); short protein forms A1110G.
Identifiers: ClinVar variation 1713336 (VCV001713336.6), dbSNP rs2061515367, ClinGen allele CA392027936.

ClinVar aggregate classification (germline): Uncertain significance. Review status: criteria provided, multiple submitters, no conflicts (2 of 4 stars). 2 submissions from 2 submitters: Uncertain significance (2). Last evaluated 2025-11-20.

Conditions:
Inborn genetic diseases. Identifiers: MedGen C0950123, MeSH D030342.

Allele frequency attached by ClinVar (database versions not stated): TOPMed 0.00002.

Submissions (2):

Ambry Genetics
Classification: Uncertain significance for Inborn genetic diseases. Last evaluated: 2025-11-20. Review status: criteria provided, single submitter. Criteria: Ambry Variant Classification Scheme 2023. Collection method: clinical testing. Allele origin: germline.

Labcorp Genetics (formerly Invitae), Labcorp
Classification: Uncertain significance. Last evaluated: 2022-07-22. Review status: criteria provided, single submitter. Criteria: Invitae Variant Classification Sherloc (09022015). Collection method: clinical testing. Allele origin: germline.
Comment: In summary, the available evidence is currently insufficient to determine the role of this variant in disease. Therefore, it has been classified as a Variant of Uncertain Significance. Algorithms developed to predict the effect of missense changes on protein structure and function (SIFT, PolyPhen-2, Align-GVGD) all suggest that this variant is likely to be tolerated. This variant has not been reported in the literature in individuals affected with CDAN1-related conditions. This variant is not present in population databases (gnomAD no frequency). This sequence change replaces alanine, which is neutral and non-polar, with glycine, which is neutral and non-polar, at codon 1110 of the CDAN1 protein (p.Ala1110Gly).